The following is an entry in ClinVar:

ClinVar aggregate classification (germline): Uncertain significance. Review status: criteria provided, multiple submitters, no conflicts (2 of 4 stars). 2 submissions from 2 submitters: Uncertain significance (2). Last evaluated 2023-01-24.

Conditions:
Hypertrophic cardiomyopathy. Also called: HYPERTROPHIC MYOCARDIOPATHY. Identifiers: Orphanet 217569, MedGen C0007194, MeSH D002312, MONDO:0005045, HP:0001639.

Submissions (2):

Labcorp Genetics (formerly Invitae), Labcorp
Classification: Uncertain significance for Hypertrophic cardiomyopathy. Last evaluated: 2023-01-24. Review status: criteria provided, single submitter. Criteria: Invitae Variant Classification Sherloc (09022015). Collection method: clinical testing. Allele origin: germline.
Comment: In summary, the available evidence is currently insufficient to determine the role of this variant in disease. Therefore, it has been classified as a Variant of Uncertain Significance. Algorithms developed to predict the effect of missense changes on protein structure and function (SIFT, PolyPhen-2, Align-GVGD) all suggest that this variant is likely to be disruptive. ClinVar contains an entry for this variant (Variation ID: 228753). This variant has not been reported in the literature in individuals affected with JPH2-related conditions. This variant is not present in population databases (gnomAD no frequency). This sequence change replaces glycine, which is neutral and non-polar, with arginine, which is basic and polar, at codon 126 of the JPH2 protein (p.Gly126Arg).

Laboratory for Molecular Medicine, Mass General Brigham Personalized Medicine
Classification: Uncertain significance. Last evaluated: 2015-12-10. Review status: criteria provided, single submitter. Criteria: LMM Criteria. Collection method: clinical testing. Allele origin: germline. Observed: 1 variant allele.
Comment: The p.Gly126Arg variant in JPH2 has not been previously reported in individuals with cardiomyopathy or in large population studies. Computational prediction too ls and conservation analysis suggest that the p.Gly126Arg variant may impact the protein, though this information is not predictive enough to determine pathogen icity. In summary, the clinical significance of the p.Gly126Arg variant is uncer tain.

NM_020433.5(JPH2):c.376G>A (p.Gly126Arg)

Gene: JPH2 (junctophilin 2; minus strand). Cytogenetic location: 20q13.12.
Variant type: single nucleotide variant.
Coding change: c.376G>A on transcript NM_020433.5 (MANE Select); coding-DNA position 376, G replaced by A.
Protein change: p.Gly126Arg; replaces glycine 126 with arginine.
Molecular consequence: missense variant.
Genome position (GRCh38, 1-based): chr20:44,186,330, C>T on the plus strand (G>A on the coding strand, the complement: JPH2 is on the minus strand). VCF-style: chr20-44186330-C-T. GRCh37 (hg19) VCF-style: chr20-42814970-C-T.
Other names: c.376G>A, p.Gly126Arg (NM_175913.4); short protein forms G126R.
Identifiers: ClinVar variation 228753 (VCV000228753.7), dbSNP rs876657834, ClinGen allele CA10577123.